The following is an entry in ClinVar:

ClinVar aggregate classification (germline): Uncertain significance (1 of 4 stars; one submission).

gnomAD v4.1: 2 of 1,612,440 alleles (0.00012%); highest among the groups gnomAD compares: Non-Finnish European, 0.00017%; no homozygotes.

Submission:

Labcorp Genetics (formerly Invitae), Labcorp
Classification: Uncertain significance. Last evaluated: 2025-05-07. Review status: criteria provided, single submitter. Criteria: Invitae Variant Classification Sherloc (09022015). Collection method: clinical testing. Allele origin: germline.
Comment: This sequence change replaces arginine, which is basic and polar, with glycine, which is neutral and non-polar, at codon 305 of the ACAN protein (p.Arg305Gly). This variant is present in population databases (no rsID available, gnomAD 0.0009%). This variant has not been reported in the literature in individuals affected with ACAN-related conditions. Invitae Evidence Modeling of protein sequence and biophysical properties (such as structural, functional, and spatial information, amino acid conservation, physicochemical variation, residue mobility, and thermodynamic stability) indicates that this missense variant is not expected to disrupt ACAN protein function with a negative predictive value of 80%. In summary, the available evidence is currently insufficient to determine the role of this variant in disease. Therefore, it has been classified as a Variant of Uncertain Significance.

NM_001369268.1(ACAN):c.913C>G (p.Arg305Gly)

Gene: ACAN (aggrecan; plus strand). Cytogenetic location: 15q26.1.
Variant type: single nucleotide variant.
Coding change: c.913C>G on transcript NM_001369268.1 (MANE Select); coding-DNA position 913, C replaced by G.
Protein change: p.Arg305Gly; replaces arginine 305 with glycine.
Molecular consequence: missense variant.
Genome position (GRCh38, 1-based): chr15:88,843,510, C>G. VCF-style: chr15-88843510-C-G. GRCh37 (hg19) VCF-style: chr15-89386741-C-G.
Other names: c.913C>G, p.Arg305Gly (NM_001135.4, NM_001411096.1, NM_001411097.1 and 1 more transcripts); short protein forms R305G.
Identifiers: ClinVar variation 4808868 (VCV004808868.1).